The following is an entry in ClinVar:

NM_000053.4(ATP7B):c.2971_2973delinsGCA (p.Thr991Ala)

Gene: ATP7B (ATPase copper transporting beta; minus strand). Cytogenetic location: 13q14.3.
Variant type: Indel.
Coding change: c.2971_2973delinsGCA on transcript NM_000053.4 (MANE Select); coding-DNA positions 2971 to 2973, ACG replaced by GCA.
Protein change: p.Thr991Ala; replaces threonine 991 with alanine.
Molecular consequence: missense variant. On other transcripts: intron variant (6).
Genome position (GRCh38, 1-based): chr13:51,946,371-51,946,373, CGT replaced by TGC on the plus strand (ACG replaced by GCA on the coding strand, the reverse complement: ATP7B is on the minus strand). VCF-style: chr13-51946371-CGT-TGC. GRCh37 (hg19) VCF-style: chr13-52520507-CGT-TGC.
Other names: c.2350_2352delinsGCA, p.Thr784Ala (NM_001005918.3); c.2638_2640delinsGCA, p.Thr880Ala (NM_001243182.2); c.2737_2739delinsGCA, p.Thr913Ala (NM_001330578.2, NM_001406527.1, NM_001406528.1 and 1 more transcripts); c.2719_2721delinsGCA, p.Thr907Ala (NM_001330579.2, NM_001406531.1, NM_001406532.1); c.2971_2973delinsGCA, p.Thr991Ala (NM_001406511.1, NM_001406512.1, NM_001406513.1 and 2 more transcripts); c.2938_2940delinsGCA, p.Thr980Ala (NM_001406514.1); c.2917_2919delinsGCA, p.Thr973Ala (NM_001406515.1, NM_001406516.1); c.2875_2877delinsGCA, p.Thr959Ala (NM_001406517.1, NM_001406518.1); and 19 more; short protein forms T561A, T775A, T784A, T797A, T829A, T848A, T875A, T880A.
Identifiers: ClinVar variation 4758930 (VCV004758930.2).

ClinVar aggregate classification (germline): Conflicting classifications of pathogenicity. Review status: criteria provided, conflicting classifications (1 of 4 stars). 2 submissions from 2 submitters: Likely pathogenic (1); Uncertain significance (1). Last evaluated 2026-01-20.

Conditions:
Wilson disease (WND). Also called: Wilson's disease. Identifiers: Orphanet 905, MedGen C0019202, MONDO:0010200, OMIM 277900. Disease mechanism: loss of function.

Submissions (2):

Natera, Inc.
Classification: Likely pathogenic for Wilson disease. Last evaluated: 2026-01-20. Review status: criteria provided, single submitter. Criteria: Natera Variant Classification Schema (03/2026). Collection method: clinical testing. Allele origin: germline.
Comment: The c.2971_2973delACGinsGCA variant in ATP7B is a deletion-insertion (delins) variant predicted to replace one or more nucleotides with a different sequence. This variant is rare in the general population with a frequency below the threshold expected for the associated phenotype(s). Another variant at this same site results in an alteration predicted to cause a similar molecular effect has been observed in individual(s) with the associated phenotype. Computational prediction algorithms indicate this variant is likely to affect gene or protein function. Given the available evidence, this variant is classified as Likely Pathogenic.

Color Diagnostics, LLC DBA Color Health
Classification: Uncertain significance for Wilson disease. Last evaluated: 2025-07-14. Review status: criteria provided, single submitter. Criteria: ACMG Guidelines, 2015. Collection method: clinical testing. Allele origin: germline.
Comment: This missense variant replaces threonine with alanine at codon 991 of the ATP7B protein. To our knowledge, functional studies have not been reported for this variant. This variant has not been reported in individuals affected with ATP7B-related disorders in the literature. This variant has not been identified in the general population by the Genome Aggregation Database (gnomAD). The available evidence is insufficient to determine the role of this variant in disease conclusively. Therefore, this variant is classified as a Variant of Uncertain Significance.